The following is an entry in ClinVar:

NM_001127644.2(GABRA1):c.1078C>T (p.Pro360Ser)

Gene: GABRA1 (gamma-aminobutyric acid type A receptor subunit alpha1; plus strand). Cytogenetic location: 5q34.
Variant type: single nucleotide variant.
Coding change: c.1078C>T on transcript NM_001127644.2 (MANE Select); coding-DNA position 1078, C replaced by T.
Protein change: p.Pro360Ser; replaces proline 360 with serine.
Molecular consequence: missense variant.
Genome position (GRCh38, 1-based): chr5:161,897,129, C>T. VCF-style: chr5-161897129-C-T. GRCh37 (hg19) VCF-style: chr5-161324135-C-T.
Other names: c.1078C>T, p.Pro360Ser (NM_000806.5, NM_001127643.2, NM_001127645.2 and 1 more transcripts); short protein forms P360S.
Identifiers: ClinVar variation 2931576 (VCV002931576.4), dbSNP rs771498937, ClinGen allele CA3544576.

ClinVar aggregate classification (germline): Uncertain significance. Review status: criteria provided, multiple submitters, no conflicts (2 of 4 stars). 2 submissions from 2 submitters: Uncertain significance (2). Last evaluated 2025-01-20.

Conditions:
Idiopathic generalized epilepsy. Also called: EIG; Generalised epilepsy. Identifiers: MedGen C0270850, MONDO:0005579, OMIM 600669.
Epilepsy, idiopathic generalized, susceptibility to, 13. Also called: EPILEPSY, JUVENILE MYOCLONIC, SUSCEPTIBILITY TO, 5. Identifiers: Orphanet 307, Orphanet 64280, MedGen C4013473, MONDO:0012627, OMIM 611136.
Epilepsy, childhood absence 4 (ECA4). Also called: EPILEPSY, CHILDHOOD ABSENCE, SUSCEPTIBILITY TO, 4. Identifiers: Orphanet 307, MedGen C1970160.
Inborn genetic diseases. Identifiers: MedGen C0950123, MeSH D030342.

Allele frequency attached by ClinVar (database versions not stated): ExAC 0.00001.
gnomAD v4.1: 7 of 1,614,016 alleles (0.00043%); highest among the groups gnomAD compares: Non-Finnish European, 0.00059%; no homozygotes.

Submissions (2):

Ambry Genetics
Classification: Uncertain significance for Inborn genetic diseases. Last evaluated: 2025-01-20. Review status: criteria provided, single submitter. Criteria: Ambry Variant Classification Scheme 2023. Collection method: clinical testing. Allele origin: germline.

Labcorp Genetics (formerly Invitae), Labcorp
Classification: Uncertain significance for Epilepsy, childhood absence 4; Epilepsy, idiopathic generalized, susceptibility to, 13; Idiopathic generalized epilepsy. Last evaluated: 2022-11-06. Review status: criteria provided, single submitter. Criteria: Invitae Variant Classification Sherloc (09022015). Collection method: clinical testing. Allele origin: germline.
Comment: In summary, the available evidence is currently insufficient to determine the role of this variant in disease. Therefore, it has been classified as a Variant of Uncertain Significance. Advanced modeling of protein sequence and biophysical properties (such as structural, functional, and spatial information, amino acid conservation, physicochemical variation, residue mobility, and thermodynamic stability) performed at Invitae indicates that this missense variant is not expected to disrupt GABRA1 protein function. This variant has not been reported in the literature in individuals affected with GABRA1-related conditions. This sequence change replaces proline, which is neutral and non-polar, with serine, which is neutral and polar, at codon 360 of the GABRA1 protein (p.Pro360Ser). This variant is present in population databases (rs771498937, gnomAD 0.0009%).